The following is an entry in ClinVar:

ClinVar aggregate classification (germline): Conflicting classifications of pathogenicity. Review status: criteria provided, conflicting classifications (1 of 4 stars). 2 submissions from 2 submitters: Uncertain significance (1); Likely benign (1). Last evaluated 2026-10-01.

Conditions:
Rothmund-Thomson syndrome type 2 (RTS2). Identifiers: Orphanet 221016, MedGen C5203410, MONDO:0016369, OMIM 268400.
Baller-Gerold syndrome (BGS). Also called: CRANIOSYNOSTOSIS WITH RADIAL DEFECTS. Identifiers: Orphanet 1225, MedGen C0265308, MONDO:0009039, OMIM 218600.

Allele frequency attached by ClinVar (database versions not stated): ExAC 0.00004; gnomAD 0.00004; TOPMed 0.00005; gnomAD exomes 0.00006 and 0.00001; ESP Exome Variant Server 0.00008.
gnomAD v4.1: 20 of 1,612,430 alleles (0.0012%); highest among the groups gnomAD compares: Admixed American, 0.023%; no homozygotes.

Submissions (2):

St. Jude Molecular Pathology, St. Jude Children's Research Hospital
Classification: Uncertain significance for Rothmund-Thomson syndrome type 2. Last evaluated: 2026-10-01. Review status: criteria provided, single submitter. Criteria: St. Jude Assertion Criteria 2020. Collection method: clinical testing. Allele origin: germline.
Comment: The RECQL4 c.1259-13C>T intronic change results in a C to T substitution at the -13 position of intron 6 of the RECQL4 gene. Algorithms that predict the impact of sequence changes on splicing are inconclusive. This variant has a maximum subpopulation frequency of 0 .04% in gnomAD v2.1.1. To our knowledge, this variant has not been reported in individuals with RECQL4-associated conditions. In summary, the evidence currently available is insufficient to determine the clinical significance of this variant. It has therefore been classified as of uncertain significance.

Labcorp Genetics (formerly Invitae), Labcorp
Classification: Likely benign for Baller-Gerold syndrome. Last evaluated: 2025-09-10. Review status: criteria provided, single submitter. Criteria: Invitae Variant Classification Sherloc (09022015). Collection method: clinical testing. Allele origin: germline.

NM_004260.4(RECQL4):c.1259-13C>T

Gene: RECQL4 (RecQ like helicase 4; minus strand). Cytogenetic location: 8q24.3.
Variant type: single nucleotide variant.
Coding change: c.1259-13C>T on transcript NM_004260.4 (MANE Select); 13 bases into the intron before coding-DNA position 1259, C replaced by T.
Molecular consequence: intron variant.
Genome position (GRCh38, 1-based): chr8:144,515,470, G>A on the plus strand (C>T on the coding strand, the complement: RECQL4 is on the minus strand). VCF-style: chr8-144515470-G-A. GRCh37 (hg19) VCF-style: chr8-145740854-G-A.
Other names: c.1259-13C>T (NM_004260.3).
Identifiers: ClinVar variation 1658355 (VCV001658355.9), dbSNP rs376829470, ClinGen allele CA4948936.
Genomic context (GRCh38, chr8:144,515,470, plus strand): 5'-AAGGAACCAGTGGCTCAGGCCCAACAGCATCTGTGTCTTCCTCACTTGCTGGGGCAGGCA[G>A]GAGAGGGTAGAATGGGAGCTCCAGGTCGGGCAAGACAACCACTGGCCACAACCTCTCCTT-3'